The following is an entry in ClinVar:

ClinVar aggregate classification (germline): Uncertain significance (1 of 4 stars; one submission).

Conditions:
Inborn genetic diseases. Identifiers: MedGen C0950123, MeSH D030342.

Submission:

Ambry Genetics
Classification: Uncertain significance for Inborn genetic diseases. Last evaluated: 2025-02-12. Review status: criteria provided, single submitter. Criteria: Ambry Variant Classification Scheme 2023. Collection method: clinical testing. Allele origin: germline.
Comment: The p.M211R variant (also known as c.632T>G), located in coding exon 1 of the SH2B3 gene, results from a T to G substitution at nucleotide position 632. The methionine at codon 211 is replaced by arginine, an amino acid with similar properties. This amino acid position is conserved. In addition, this alteration is predicted to be tolerated by in silico analysis. Based on the available evidence, the clinical significance of this variant remains unclear.

NM_005475.3(SH2B3):c.632T>G (p.Met211Arg)

Gene: SH2B3 (SH2B adaptor protein 3; plus strand). Cytogenetic location: 12q24.12.
Variant type: single nucleotide variant.
Coding change: c.632T>G on transcript NM_005475.3 (MANE Select); coding-DNA position 632, T replaced by G.
Protein change: p.Met211Arg; replaces methionine 211 with arginine.
Molecular consequence: missense variant.
Genome position (GRCh38, 1-based): chr12:111,418,777, T>G. VCF-style: chr12-111418777-T-G. GRCh37 (hg19) VCF-style: chr12-111856581-T-G.
Other names: short protein forms M211R.
Identifiers: ClinVar variation 3795187 (VCV003795187.1).